The following is an entry in ClinVar:

ClinVar aggregate classification (germline): Uncertain significance (1 of 4 stars; one submission).

Conditions:
Dilated cardiomyopathy 1G (CMD1G). Identifiers: Orphanet 154, MedGen C1858763, MONDO:0011400, OMIM 604145.
Autosomal recessive limb-girdle muscular dystrophy type 2J (LGMDR10). Also called: MUSCULAR DYSTROPHY, LIMB-GIRDLE, AUTOSOMAL RECESSIVE 10; Limb-girdle muscular dystrophy, type 2J. Identifiers: Orphanet 140922, MedGen C1837342, MONDO:0012127, OMIM 608807.

Allele frequency attached by ClinVar (database versions not stated): TOPMed below 0.00001; ExAC 0.00001; gnomAD 0.00001; gnomAD exomes 0.00001.
gnomAD v4.1: 7 of 1,612,914 alleles (0.00043%); highest among the groups gnomAD compares: East Asian, 0.016%; no homozygotes.

Submission:

Labcorp Genetics (formerly Invitae), Labcorp
Classification: Uncertain significance for Dilated cardiomyopathy 1G; Autosomal recessive limb-girdle muscular dystrophy type 2J. Last evaluated: 2024-01-24. Review status: criteria provided, single submitter. Criteria: Invitae Variant Classification Sherloc (09022015). Collection method: clinical testing. Allele origin: germline.
Comment: This sequence change replaces arginine, which is basic and polar, with threonine, which is neutral and polar, at codon 34898 of the TTN protein (p.Arg34898Thr). The frequency data for this variant in the population databases is considered unreliable, as metrics indicate poor data quality at this position in the gnomAD database. This variant has not been reported in the literature in individuals affected with TTN-related conditions. Experimental studies and prediction algorithms are not available or were not evaluated, and the functional significance of this variant is currently unknown. This variant is located in the M band of TTN (PMID: 25589632). Non-truncating variants in this region may be relevant for neuromuscular disorders, but have not been definitively shown to cause cardiomyopathy (PMID: 23975875). In summary, the available evidence is currently insufficient to determine the role of this variant in disease. Therefore, it has been classified as a Variant of Uncertain Significance.

Literature cited by the submitters: PubMed 25589632; PubMed 23975875.

NM_001267550.2(TTN):c.104693G>C (p.Arg34898Thr)

Genes: TTN-AS1 (TTN antisense RNA 1; plus strand), TTN (titin; minus strand). Cytogenetic location: 2q31.2.
Variant type: single nucleotide variant.
Coding change: c.104693G>C on transcript NM_001267550.2 (MANE Select); coding-DNA position 104693, G replaced by C.
Protein change: p.Arg34898Thr; replaces arginine 34898 with threonine.
Molecular consequence: missense variant.
Genome position (GRCh38, 1-based): chr2:178,531,922, C>G on the plus strand (G>C on the coding strand, the complement: TTN is on the minus strand). VCF-style: chr2-178531922-C-G. GRCh37 (hg19) VCF-style: chr2-179396649-C-G.
Other names: c.99770G>C, p.Arg33257Thr (NM_001256850.1); c.77498G>C, p.Arg25833Thr (NM_003319.4); c.96989G>C, p.Arg32330Thr (NM_133378.4); c.77873G>C, p.Arg25958Thr (NM_133432.3); c.78074G>C, p.Arg26025Thr (NM_133437.4); short protein forms R25833T, R25958T, R26025T, R33257T, R34898T, R32330T.
Identifiers: ClinVar variation 2943122 (VCV002943122.2), dbSNP rs781603371, ClinGen allele CA1985379.